The following is an entry in ClinVar:

NM_001429.4(EP300):c.3851A>G (p.Lys1284Arg)

Gene: EP300 (E1A binding protein p300; plus strand). Cytogenetic location: 22q13.2.
Variant type: single nucleotide variant.
Coding change: c.3851A>G on transcript NM_001429.4 (MANE Select); coding-DNA position 3851, A replaced by G.
Protein change: p.Lys1284Arg; replaces lysine 1284 with arginine.
Molecular consequence: missense variant.
Genome position (GRCh38, 1-based): chr22:41,166,643, A>G. VCF-style: chr22-41166643-A-G. GRCh37 (hg19) VCF-style: chr22-41562647-A-G.
Other names: c.3773A>G, p.Lys1258Arg (NM_001362843.2); short protein forms K1258R, K1284R.
Identifiers: ClinVar variation 3352927 (VCV003352927.1).
Genomic context (GRCh38, chr22:41,166,643, plus strand): 5'-TTTGGTTTACATTTAGATTCGTCTGTGATGGCTGTTTAAAGAAAAGTGCACGAACTAGGA[A>G]AGAAAATAAGTTTTCTGCTAAAAGTAAGTTTTATTCTTAAAGGTAAATTTTGGCAAAACT-3'
Protein context (NP_001420.2, residues 1274-1294): GCLKKSARTR[Lys1284Arg]ENKFSAKRLP

ClinVar aggregate classification (germline): Uncertain significance (0 of 4 stars; one submission).

Conditions:
EP300-related disorder. Also called: EP300-related disorders; EP300-related condition.

gnomAD v4.1: 3 of 1,612,186 alleles (0.00019%); highest among the groups gnomAD compares: Non-Finnish European, 0.00025%; no homozygotes.

Submission:

PreventionGenetics, part of Exact Sciences
Classification: Uncertain significance for EP300-related condition. Last evaluated: 2024-01-17. Review status: no assertion criteria provided. Collection method: clinical testing. Allele origin: germline.
Comment: The EP300 c.3851A>G variant is predicted to result in the amino acid substitution p.Lys1284Arg. To our knowledge, this variant has not been reported in the literature or in a large population database, indicating this variant is rare. At this time, the clinical significance of this variant is uncertain due to the absence of conclusive functional and genetic evidence.